The following is an entry in ClinVar:

NM_012082.4(ZFPM2):c.2146C>T (p.Pro716Ser)

Genes: ZFPM2 (zinc finger protein, FOG family member 2; plus strand), ZFPM2-AS1 (ZFPM2 antisense RNA 1; minus strand), LOC126860469 (BRD4-independent group 4 enhancer GRCh37_chr8:106814445-106815644; plus strand). Cytogenetic location: 8q23.1.
Variant type: single nucleotide variant.
Coding change: c.2146C>T on transcript NM_012082.4 (MANE Select); coding-DNA position 2146, C replaced by T.
Protein change: p.Pro716Ser; replaces proline 716 with serine.
Molecular consequence: missense variant.
Genome position (GRCh38, 1-based): chr8:105,802,228, C>T. VCF-style: chr8-105802228-C-T. GRCh37 (hg19) VCF-style: chr8-106814456-C-T.
Other names: c.1987C>T, p.Pro663Ser (NM_001362836.2); c.1750C>T, p.Pro584Ser (NM_001362837.2); short protein forms P716S, P584S, P663S.
Identifiers: ClinVar variation 477988 (VCV000477988.9), dbSNP rs1554583195, ClinGen allele CA371953438.

ClinVar aggregate classification (germline): Uncertain significance (1 of 4 stars; one submission).

Conditions:
46,XY sex reversal 9 (SRXY9). Also called: 46,XY SEX REVERSAL, ZFPM2-RELATED. Identifiers: Orphanet 251510, MedGen C4015129, MONDO:0014480, OMIM 616067.

Submission:

Labcorp Genetics (formerly Invitae), Labcorp
Classification: Uncertain significance for 46,XY sex reversal 9. Last evaluated: 2017-05-03. Review status: criteria provided, single submitter. Criteria: Invitae Variant Classification Sherloc (09022015). Collection method: clinical testing. Allele origin: germline.
Comment: In summary, this variant is a novel missense change with uncertain impact on protein function. It has been classified as a Variant of Uncertain Significance. This variant is not present in population databases (ExAC no frequency) and has not been reported in the literature in individuals with a ZFPM2-related disease. Algorithms developed to predict the effect of missense changes on protein structure and function do not agree on the potential impact of this missense change (SIFT: "Deleterious"; PolyPhen-2: "Probably Damaging"; Align-GVGD: "Class C0"). This sequence change replaces proline with serine at codon 716 of the ZFPM2 protein (p.Pro716Ser). The proline residue is highly conserved and there is a moderate physicochemical difference between proline and serine.